The following is an entry in ClinVar:

ClinVar aggregate classification (germline): Uncertain significance (1 of 4 stars; one submission).

Submission:

Women's Health and Genetics/Laboratory Corporation of America, LabCorp
Classification: Uncertain significance. Last evaluated: 2023-09-07. Review status: criteria provided, single submitter. Criteria: LabCorp Variant Classification Summary - May 2015. Collection method: clinical testing. Allele origin: germline.
Comment: Variant summary: MAF c.435_440dupTGCCGG (p.Gly147_Ala148dup) results in an in-frame duplication that is predicted to duplicate 2 amino acids into the encoded protein. The variant allele was found at a frequency of 4.7e-05 in 149526 control chromosomes (gnomad v3.1). The available data on variant occurrences in the general population are insufficient to allow any conclusion about variant significance. To our knowledge, no occurrence of c.435_440dupTGCCGG in individuals affected with MAF-Related Disorders and no experimental evidence demonstrating its impact on protein function have been reported. No submitters have cited clinical-significance assessments for this variant to ClinVar after 2014. Based on the evidence outlined above, the variant was classified as uncertain significance.

NM_005360.5(MAF):c.435_440dup (p.Ala148_Ser149insGlyAla)

Gene: MAF (MAF bZIP transcription factor; minus strand). Cytogenetic location: 16q23.2.
Variant type: Duplication.
Coding change: c.435_440dup on transcript NM_005360.5 (MANE Select); coding-DNA positions 435 to 440, 6 bases duplicated (TGCCGG; older notation c.435_440dupTGCCGG).
Protein change: p.Ala148_Ser149insGlyAla.
Molecular consequence: inframe insertion.
Genome position (GRCh38, 1-based): chr16:79,599,463-79,599,468, CCGGCA duplicated on the plus strand (TGCCGG on the coding strand, the reverse complement: MAF is on the minus strand); duplicating any 6 consecutive bases within chr16:79,599,463-79,599,473 gives the same sequence; the c. name uses the placement nearest the transcript's 3' end. VCF-style (leftmost placement, unchanged base first): chr16-79599462-G-GCCGGCA. GRCh37 (hg19) VCF-style: chr16-79633359-G-GCCGGCA.
Other names: c.435_440dup, p.Ala148_Ser149insGlyAla (NM_001031804.3).
Identifiers: ClinVar variation 2627152 (VCV002627152.1), dbSNP rs753758729, ClinGen allele CA8184053.